The following is an entry in ClinVar:

NM_007373.4(SHOC2):c.1477C>T (p.Leu493Phe)

Gene: SHOC2 (SHOC2 leucine rich repeat scaffold protein; plus strand). Cytogenetic location: 10q25.2.
Variant type: single nucleotide variant.
Coding change: c.1477C>T on transcript NM_007373.4 (MANE Select); coding-DNA position 1477, C replaced by T.
Protein change: p.Leu493Phe; replaces leucine 493 with phenylalanine.
Molecular consequence: missense variant. On other transcripts: non-coding transcript variant (1).
Genome position (GRCh38, 1-based): chr10:111,009,767, C>T. VCF-style: chr10-111009767-C-T. GRCh37 (hg19) VCF-style: chr10-112769525-C-T.
Other names: c.1339C>T, p.Leu447Phe (NM_001269039.3); c.1477C>T, p.Leu493Phe (NM_001324336.2, NM_001324337.2); short protein forms L447F, L493F.
Identifiers: ClinVar variation 1030213 (VCV001030213.15), dbSNP rs1026930115, ClinGen allele CA213914677.

ClinVar aggregate classification (germline): Conflicting classifications of pathogenicity. Review status: criteria provided, conflicting classifications (1 of 4 stars). 6 submissions from 6 submitters: Uncertain significance (5); Likely benign (1). Last evaluated 2025-11-17.

Conditions:
SHOC2-related disorder. Also called: SHOC2-related condition.
RASopathy. Also called: Noonan spectrum disorder; rasopathies. Identifiers: Orphanet 536391, MedGen C5555857, MONDO:0021060.
Cardiovascular phenotype. Identifiers: MedGen CN230736.
Noonan syndrome 3 (NS3). Also called: KRAS-Related Noonan Syndrome. Identifiers: Orphanet 648, MedGen C1860991, MONDO:0012371, OMIM 609942.

Allele frequency attached by ClinVar (database versions not stated): gnomAD exomes below 0.00001 and 0.00001; gnomAD 0.00007 and 0.00009; TOPMed 0.00022.
gnomAD v4.1: 20 of 1,613,338 alleles (0.0012%); highest among the groups gnomAD compares: Admixed American, 0.025%; no homozygotes.

Submissions (6):

Labcorp Genetics (formerly Invitae), Labcorp
Classification: Uncertain significance for RASopathy. Last evaluated: 2025-11-17. Review status: criteria provided, single submitter. Criteria: Invitae Variant Classification Sherloc (09022015). Collection method: clinical testing. Allele origin: germline.
Comment: This sequence change replaces leucine, which is neutral and non-polar, with phenylalanine, which is neutral and non-polar, at codon 493 of the SHOC2 protein (p.Leu493Phe). This variant is present in population databases (no rsID available, gnomAD 0.003%). This variant has not been reported in the literature in individuals affected with SHOC2-related conditions. ClinVar contains an entry for this variant (Variation ID: 1030213). Invitae Evidence Modeling of protein sequence and biophysical properties (such as structural, functional, and spatial information, amino acid conservation, physicochemical variation, residue mobility, and thermodynamic stability) indicates that this missense variant is expected to disrupt SHOC2 protein function with a positive predictive value of 80%. In summary, the available evidence is currently insufficient to determine the role of this variant in disease. Therefore, it has been classified as a Variant of Uncertain Significance.

PreventionGenetics, part of Exact Sciences
Classification: Uncertain significance for SHOC2-related condition. Last evaluated: 2025-09-03. Review status: criteria provided, single submitter. Criteria: ACMG Guidelines, 2015. Collection method: clinical testing. Allele origin: germline.
Comment: The SHOC2 c.1477C>T variant is predicted to result in the amino acid substitution p.Leu493Phe. To our knowledge, this variant has not been reported in the literature. This variant is reported in 0.0028% of alleles in individuals of Latino descent in gnomAD. At this time, the clinical significance of this variant is uncertain due to the absence of conclusive functional and genetic evidence.

Ambry Genetics
Classification: Uncertain significance for Cardiovascular phenotype. Last evaluated: 2025-08-06. Review status: criteria provided, single submitter. Criteria: Ambry Variant Classification Scheme 2023. Collection method: clinical testing. Allele origin: germline.

GeneDx
Classification: Likely benign. Last evaluated: 2019-10-10. Review status: criteria provided, single submitter. Criteria: GeneDx Variant Classification Process June 2021. Collection method: clinical testing. Allele origin: germline. Affected: yes.

Baylor Genetics
Classification: Uncertain significance for Noonan syndrome 3. Last evaluated: 2019-07-26. Review status: criteria provided, single submitter. Criteria: ACMG Guidelines, 2015. Collection method: clinical testing. Allele origin: unknown. Affected: yes.
Comment: This variant was determined to be of uncertain significance according to ACMG Guidelines, 2015 [PMID:25741868].

Blueprint Genetics
Classification: Uncertain significance. Last evaluated: 2019-05-25. Review status: criteria provided, single submitter. Criteria: ACMG Guidelines, 2015. Collection method: clinical testing. Allele origin: germline.